The following is an entry in ClinVar:

NM_002047.4(GARS1):c.2198A>T (p.Lys733Ile)

Gene: GARS1 (glycyl-tRNA synthetase 1; plus strand). Cytogenetic location: 7p14.3.
Variant type: single nucleotide variant.
Coding change: c.2198A>T on transcript NM_002047.4 (MANE Select); coding-DNA position 2198, A replaced by T.
Protein change: p.Lys733Ile; replaces lysine 733 with isoleucine.
Molecular consequence: missense variant.
Genome position (GRCh38, 1-based): chr7:30,633,838, A>T. VCF-style: chr7-30633838-A-T. GRCh37 (hg19) VCF-style: chr7-30673454-A-T.
Other names: c.2036A>T, p.Lys679Ile (NM_001316772.1); short protein forms K679I, K733I.
Identifiers: ClinVar variation 2022724 (VCV002022724.4), dbSNP rs2534339520, ClinGen allele CA367132230.

ClinVar aggregate classification (germline): Uncertain significance (1 of 4 stars; one submission).

Conditions:
Charcot-Marie-Tooth disease type 2. Also called: Charcot-Marie-Tooth type 2. Identifiers: Orphanet 64746, MedGen C0270914, MONDO:0018993.

Submission:

Labcorp Genetics (formerly Invitae), Labcorp
Classification: Uncertain significance for Charcot-Marie-Tooth disease type 2. Last evaluated: 2021-12-22. Review status: criteria provided, single submitter. Criteria: Invitae Variant Classification Sherloc (09022015). Collection method: clinical testing. Allele origin: germline.
Comment: This sequence change replaces lysine, which is basic and polar, with isoleucine, which is neutral and non-polar, at codon 733 of the GARS protein (p.Lys733Ile). This variant is not present in population databases (gnomAD no frequency). This variant has not been reported in the literature in individuals affected with GARS-related conditions. Algorithms developed to predict the effect of missense changes on protein structure and function are either unavailable or do not agree on the potential impact of this missense change (SIFT: "Deleterious"; PolyPhen-2: "Benign"; Align-GVGD: "Class C0"). In summary, the available evidence is currently insufficient to determine the role of this variant in disease. Therefore, it has been classified as a Variant of Uncertain Significance.